The following is an entry in ClinVar:

NM_001256317.3(TMPRSS3):c.758T>C (p.Ile253Thr)

Gene: TMPRSS3 (transmembrane serine protease 3; minus strand). Cytogenetic location: 21q22.3.
Variant type: single nucleotide variant.
Coding change: c.758T>C on transcript NM_001256317.3 (MANE Select); coding-DNA position 758, T replaced by C.
Protein change: p.Ile253Thr; replaces isoleucine 253 with threonine.
Molecular consequence: missense variant.
Genome position (GRCh38, 1-based): chr21:42,383,057, A>G on the plus strand (T>C on the coding strand, the complement: TMPRSS3 is on the minus strand). VCF-style: chr21-42383057-A-G. GRCh37 (hg19) VCF-style: chr21-43803166-A-G.
Other names: c.758T>C, p.Ile253Thr (NM_024022.4, NM_032405.2); c.377T>C, p.Ile126Thr (NM_032404.3); short protein forms I126T, I253T.
Identifiers: ClinVar variation 1199458 (VCV001199458.6), dbSNP rs747352986, ClinGen allele CA10042485.

ClinVar aggregate classification (germline): Uncertain significance (1 of 4 stars; one submission).

Allele frequency attached by ClinVar (database versions not stated): TOPMed below 0.00001; ExAC 0.00002; gnomAD exomes 0.00001.

Submission:

GeneDx
Classification: Uncertain significance. Last evaluated: 2025-01-29. Review status: criteria provided, single submitter. Criteria: GeneDx Variant Classification Process June 2021. Collection method: clinical testing. Allele origin: germline. Affected: yes.
Comment: Not observed at significant frequency in large population cohorts (gnomAD); In silico analysis supports that this missense variant has a deleterious effect on protein structure/function; Has not been previously published as pathogenic or benign to our knowledge